The following is an entry in ClinVar:

NM_001379228.1(MRAP):c.*108A>G

Genes: MRAP (melanocortin 2 receptor accessory protein; plus strand), URB1 (URB1 ribosome biogenesis factor; minus strand). Cytogenetic location: 21q22.11.
Variant type: single nucleotide variant.
Coding change: c.*108A>G on transcript NM_001379228.1 (MANE Select); 108 bases downstream of the stop codon, A replaced by G.
Molecular consequence: 3 prime UTR variant. On other transcripts: intron variant (1).
Genome position (GRCh38, 1-based): chr21:32,312,104, A>G. VCF-style: chr21-32312104-A-G. GRCh37 (hg19) VCF-style: chr21-33684415-A-G.
Other names: c.*108A>G (NM_001285394.2, NM_178817.4); c.*2814T>C (NM_014825.3); c.207-2447A>G (NM_206898.2).
Identifiers: ClinVar variation 339687 (VCV000339687.6), dbSNP rs2833761, ClinGen allele CA10652869.

ClinVar aggregate classification (germline): Benign. Review status: criteria provided, multiple submitters, no conflicts (2 of 4 stars). 2 submissions from 2 submitters: Benign (2). Last evaluated 2018-01-13.

Conditions:
Glucocorticoid deficiency 2 (GCCD2). Also called: FAMILIAL GLUCOCORTICOID DEFICIENCY 2. Identifiers: Orphanet 361, MedGen C4049714, MONDO:0011826, OMIM 607398.

Allele frequency attached by ClinVar (database versions not stated): gnomAD exomes 0.12334; gnomAD 0.20210 and 0.20754; TOPMed 0.21398; 1000 Genomes Project 0.22384; 1000 Genomes Project 30x 0.23126.
gnomAD v4.1: 207,314 of 1,575,690 alleles (13%); highest among the groups gnomAD compares: African/African-American, 43%; 17,918 homozygotes.

Submissions (2):

Illumina Laboratory Services, Illumina
Classification: Benign for Glucocorticoid deficiency 2. Last evaluated: 2018-01-13. Review status: criteria provided, single submitter. Criteria: ICSL Variant Classification Criteria 13 December 2019. Collection method: clinical testing. Allele origin: germline.
Comment: This variant was observed in the ICSL laboratory as part of a predisposition screen in an ostensibly healthy population. It had not been previously curated by ICSL or reported in the Human Gene Mutation Database (HGMD: prior to June 1st, 2018), and was therefore a candidate for classification through an automated scoring system. Utilizing variant allele frequency, disease prevalence and penetrance estimates, and inheritance mode, an automated score was calculated to assess if this variant is too frequent to cause the disease. Based on the score and internal cut-off values, a variant classified as benign is not then subjected to further curation. The score for this variant resulted in a classification of benign for this disease.

Breakthrough Genomics
Classification: Benign. Review status: criteria provided, single submitter. Criteria: ACMG Guidelines, 2015. Collection method: not provided. Allele origin: germline. Inheritance: Autosomal recessive inheritance. Affected: yes.